The following is an entry in ClinVar:

ClinVar aggregate classification (germline): Pathogenic. Review status: criteria provided, multiple submitters, no conflicts (2 of 4 stars). 5 submissions from 5 submitters: Pathogenic (4). 1 of the submissions does not count toward it. Last evaluated 2024-10-08.

Conditions:
Cerebral cavernous malformation 3. Also called: Familial Cerebral Cavernous Malformation 3. Identifiers: Orphanet 221061, MedGen C1864040, MONDO:0011305, OMIM 603285.
Cerebral cavernous malformation (CCM). Also called: Cavernous Hemangioma of Brain; Cerebral cavernous malformations; CAVERNOUS ANGIOMA, FAMILIAL; CAVERNOUS ANGIOMATOUS MALFORMATIONS; CEREBRAL CAPILLARY MALFORMATIONS; Cerebral cavernous hemangioma (type). Identifiers: Orphanet 221061, MedGen C2919945, MONDO:0000820, OMIM 116860, HP:0033522.

Submissions (5):

Institute of Human Genetics, University of Leipzig Medical Center
Classification: Pathogenic for Cerebral cavernous malformation. Last evaluated: 2024-10-08. Review status: criteria provided, single submitter. Criteria: ACMG Guidelines, 2015. Collection method: clinical testing. Allele origin: paternal. Inheritance: Autosomal dominant inheritance. Affected: yes.
Comment: Criteria applied: PVS1,PS2_MOD,PS4_MOD,PM2

Labcorp Genetics (formerly Invitae), Labcorp
Classification: Pathogenic for Cerebral cavernous malformation 3. Last evaluated: 2024-04-25. Review status: criteria provided, single submitter. Criteria: Invitae Variant Classification Sherloc (09022015). Collection method: clinical testing. Allele origin: germline.
Comment: This sequence change creates a premature translational stop signal (p.Glu140*) in the PDCD10 gene. It is expected to result in an absent or disrupted protein product. Loss-of-function variants in PDCD10 are known to be pathogenic (PMID: 15543491, 18300272, 23801932). This variant is not present in population databases (gnomAD no frequency). This premature translational stop signal has been observed in individual(s) with cerebral cavernous malformations (PMID: 23595507). ClinVar contains an entry for this variant (Variation ID: 930961). Algorithms developed to predict the effect of sequence changes on RNA splicing suggest that this variant may disrupt the consensus splice site. For these reasons, this variant has been classified as Pathogenic.

Greenwood Genetic Center Diagnostic Laboratories, Greenwood Genetic Center
Classification: Pathogenic for Cerebral cavernous malformation 3. Last evaluated: 2023-01-20. Review status: criteria provided, single submitter. Criteria: ACMG Guidelines, 2015. Collection method: clinical testing. Allele origin: germline. Affected: yes.
Comment: PVS1, PM2, PS4_supporting, PP3

Centre for Mendelian Genomics, University Medical Centre Ljubljana
Classification: Pathogenic for Cerebral cavernous malformation 3. Last evaluated: 2020-03-15. Review status: criteria provided, single submitter. Criteria: ACMG Guidelines, 2015. Collection method: clinical testing. Allele origin: unknown. Affected: yes.
Comment: This variant was classified as: Pathogenic. The following ACMG criteria were applied in classifying this variant: PVS1,PS4_SUP,PM2,PP4.

Tianjin Key Laboratory of Birth Defects for Prevention and Treatment, Tianjin Children’s Hospital
Classification: Pathogenic for Cerebral cavernous malformation 3. Review status: no assertion criteria provided. Collection method: clinical testing. Allele origin: de novo. Affected: yes. Observed: 1 homozygote. Not counted in ClinVar's aggregate classification.

Literature cited by the submitters: PubMed 15543491 (cited by Labcorp Genetics (formerly Invitae), Labcorp); PubMed 18300272 (cited by Labcorp Genetics (formerly Invitae), Labcorp); PubMed 23801932 (cited by Labcorp Genetics (formerly Invitae), Labcorp); PubMed 23595507 (cited by Labcorp Genetics (formerly Invitae), Labcorp and Tianjin Key Laboratory of Birth Defects for Prevention and Treatment, Tianjin Children’s Hospital).

NM_007217.4(PDCD10):c.418G>T (p.Glu140Ter)

Gene: PDCD10 (programmed cell death 10; minus strand). Cytogenetic location: 3q26.1.
Variant type: single nucleotide variant.
Coding change: c.418G>T on transcript NM_007217.4 (MANE Select); coding-DNA position 418, G replaced by T.
Protein change: p.Glu140Ter; replaces glutamic acid 140 with a stop codon.
Molecular consequence: nonsense.
Genome position (GRCh38, 1-based): chr3:167,687,671, C>A on the plus strand (G>T on the coding strand, the complement: PDCD10 is on the minus strand). VCF-style: chr3-167687671-C-A. GRCh37 (hg19) VCF-style: chr3-167405459-C-A.
Other names: c.418G>T, p.Glu140Ter (NM_145859.2, NM_145860.2); c.418G>T (NM_145860.1); short protein forms E140*.
Identifiers: ClinVar variation 930961 (VCV000930961.12), dbSNP rs1719762092, ClinGen allele CA355154324.